The following is an entry in ClinVar:

NM_024334.3(TMEM43):c.898G>T (p.Glu300Ter)

Gene: TMEM43 (transmembrane protein 43; plus strand). Cytogenetic location: 3p25.1.
Variant type: single nucleotide variant.
Coding change: c.898G>T on transcript NM_024334.3 (MANE Select); coding-DNA position 898, G replaced by T.
Protein change: p.Glu300Ter; replaces glutamic acid 300 with a stop codon.
Molecular consequence: nonsense.
Genome position (GRCh38, 1-based): chr3:14,139,195, G>T. VCF-style: chr3-14139195-G-T. GRCh37 (hg19) VCF-style: chr3-14180695-G-T.
Other names: short protein forms E300*.
Identifiers: ClinVar variation 919072 (VCV000919072.6), dbSNP rs746029667, ClinGen allele CA056189.

ClinVar aggregate classification (germline): Uncertain significance. Review status: criteria provided, multiple submitters, no conflicts (2 of 4 stars). 2 submissions from 2 submitters: Uncertain significance (2). Last evaluated 2023-10-17.

Conditions:
Arrhythmogenic right ventricular dysplasia 5. Also called: Arrhythmogenic Right Ventricular Dysplasia/Cardiomyopathy 5; ARRHYTHMOGENIC RIGHT VENTRICULAR DYSPLASIA, FAMILIAL, 5. Identifiers: MedGen C1858379, MONDO:0011459, OMIM 604400.
Cardiomyopathy (CMYO). Also called: Cardiomyopathies. Identifiers: Orphanet 167848, MedGen C0878544, MONDO:0004994, HP:0001638. Inheritance: Various modes of inheritance.

Allele frequency attached by ClinVar (database versions not stated): ExAC 0.00002.
gnomAD v4.1: 4 of 1,614,034 alleles (0.00025%); highest among the groups gnomAD compares: Non-Finnish European, 0.00034%; no homozygotes.

Submissions (2):

Labcorp Genetics (formerly Invitae), Labcorp
Classification: Uncertain significance for Arrhythmogenic right ventricular dysplasia 5. Last evaluated: 2023-10-17. Review status: criteria provided, single submitter. Criteria: Invitae Variant Classification Sherloc (09022015). Collection method: clinical testing. Allele origin: germline.
Comment: This sequence change creates a premature translational stop signal (p.Glu300*) in the TMEM43 gene. It is expected to result in an absent or disrupted protein product. However, the current clinical and genetic evidence is not sufficient to establish whether loss-of-function variants in TMEM43 cause disease. This variant is present in population databases (rs746029667, gnomAD 0.002%). This variant has not been reported in the literature in individuals affected with TMEM43-related conditions. ClinVar contains an entry for this variant (Variation ID: 919072). Experimental studies and prediction algorithms are not available or were not evaluated, and the functional significance of this variant is currently unknown. In summary, the available evidence is currently insufficient to determine the role of this variant in disease. Therefore, it has been classified as a Variant of Uncertain Significance.

Color Diagnostics, LLC DBA Color Health
Classification: Uncertain significance for Cardiomyopathy. Last evaluated: 2019-12-04. Review status: criteria provided, single submitter. Criteria: ACMG Guidelines, 2015. Collection method: clinical testing. Allele origin: germline.
Comment: This variant changes 1 nucleotide in exon 11 of the TMEM43 gene, creating a premature translation stop signal. This variant is expected to result in an absent or non-functional protein product. Splice site prediction tools suggest that this variant may not impact RNA splicing. To our knowledge, functional studies have not been performed for this variant. This variant has not been reported in individuals affected with cardiovascular disorders in the literature. This variant has been identified in 2/251444 chromosomes in the general population by the Genome Aggregation Database (gnomAD). Clinical relevance of loss-of-function truncations in the TMEM43 gene is not clearly understood. The available evidence is insufficient to determine the role of this variant in disease conclusively. Therefore, this variant is classified as a Variant of Uncertain Significance.